The following is an entry in ClinVar:

NM_176787.5(PIGN):c.2129del (p.Leu710fs)

Gene: PIGN (phosphatidylinositol glycan anchor biosynthesis class N; minus strand). Cytogenetic location: 18q21.33.
Variant type: Deletion.
Coding change: c.2129del on transcript NM_176787.5 (MANE Select); coding-DNA position 2129, one base deleted (T; older notation c.2129delT).
Protein change: p.Leu710fs; shifts the reading frame from leucine 710.
Molecular consequence: frameshift variant.
Genome position (GRCh38, 1-based): chr18:62,095,899, A deleted on the plus strand (T on the coding strand, the reverse complement: PIGN is on the minus strand); the first of 2 consecutive A bases (chr18:62,095,899-62,095,900); deleting either gives the same sequence. VCF-style (leftmost placement, unchanged base first): chr18-62095898-CA-C. GRCh37 (hg19) VCF-style: chr18-59763131-CA-C.
Other names: c.2129del, p.Leu710fs (NM_012327.6); short protein forms L710fs.
Identifiers: ClinVar variation 2836693 (VCV002836693.3), dbSNP rs2512689722, ClinGen allele CA2642050224.

ClinVar aggregate classification (germline): Pathogenic (1 of 4 stars; one submission).

Conditions:
Multiple congenital anomalies-hypotonia-seizures syndrome 1 (MCAHS1). Also called: PIGN-CDG; Congenital disorder of glycosylation due to PIGN deficiency; GLYCOSYLPHOSPHATIDYLINOSITOL BIOSYNTHESIS DEFECT 3. Identifiers: Orphanet 280633, MedGen C3279775, MONDO:0013563, OMIM 614080.

Submission:

Labcorp Genetics (formerly Invitae), Labcorp
Classification: Pathogenic for Multiple congenital anomalies-hypotonia-seizures syndrome 1. Last evaluated: 2023-07-19. Review status: criteria provided, single submitter. Criteria: Invitae Variant Classification Sherloc (09022015). Collection method: clinical testing. Allele origin: germline.
Comment: This sequence change creates a premature translational stop signal (p.Leu710Cysfs*8) in the PIGN gene. It is expected to result in an absent or disrupted protein product. Loss-of-function variants in PIGN are known to be pathogenic (PMID: 24253414, 27038415). This variant is not present in population databases (gnomAD no frequency). This variant has not been reported in the literature in individuals affected with PIGN-related conditions. Algorithms developed to predict the effect of sequence changes on RNA splicing suggest that this variant may disrupt the consensus splice site. For these reasons, this variant has been classified as Pathogenic.

Literature cited by the submitters: PubMed 24253414; PubMed 27038415.